The following is an entry in ClinVar:

NM_000133.4(F9):c.683T>C (p.Val228Ala)

Gene: F9 (coagulation factor IX; plus strand). Cytogenetic location: Xq27.1.
Variant type: single nucleotide variant.
Coding change: c.683T>C on transcript NM_000133.4 (MANE Select); coding-DNA position 683, T replaced by C.
Protein change: p.Val228Ala; replaces valine 228 with alanine.
Molecular consequence: missense variant.
Genome position (GRCh38, 1-based): chrX:139,551,224, T>C. VCF-style: chrX-139551224-T-C. GRCh37 (hg19) VCF-style: chrX-138633383-T-C.
Other names: c.569T>C, p.Val190Ala (NM_001313913.2); short protein forms V190A, V228A.
Identifiers: ClinVar variation 4536709 (VCV004536709.1).

ClinVar aggregate classification (germline): Uncertain significance (1 of 4 stars; one submission).

Submission:

Women's Health and Genetics/Laboratory Corporation of America, LabCorp
Classification: Uncertain significance. Last evaluated: 2025-11-14. Review status: criteria provided, single submitter. Criteria: LabCorp Variant Classification Summary - May 2015. Collection method: clinical testing. Allele origin: germline.
Comment: Variant summary: F9 c.683T>C (p.Val228Ala), also described as p.Val182Ala and Factor IX Tokyo, results in a non-conservative amino acid change in the encoded protein sequence. Algorithms developed to predict the effect of missense changes on protein structure and function all suggest that this variant is likely to be disruptive. The variant was absent in 183450 control chromosomes. c.683T>C has been observed in individual(s) affected with Factor IX Deficiency (Hemophilia B) (Maekawa_1993). These data do not allow any conclusion about variant significance. At least one publication reports experimental evidence evaluating an impact on protein function. The most pronounced variant effect results in significantly reduced factor IX activity in patient cells and transfected HEK293 cells (Maekawa_1993, Lee_2024). The following publications have been ascertained in the context of this evaluation (PMID: 38985830, 8512923). No submitters have cited clinical-significance assessments for this variant to ClinVar. Based on the evidence outlined above, the variant was classified as VUS-possibly pathogenic.

Literature cited by the submitters: PubMed 38985830; PubMed 8512923.